The following is an entry in ClinVar:

ClinVar aggregate classification (germline): Uncertain significance (1 of 4 stars; one submission).

Submission:

Labcorp Genetics (formerly Invitae), Labcorp
Classification: Uncertain significance. Last evaluated: 2022-04-28. Review status: criteria provided, single submitter. Criteria: Invitae Variant Classification Sherloc (09022015). Collection method: clinical testing. Allele origin: germline.
Comment: This variant has not been reported in the literature in individuals affected with LRIT3-related conditions. In summary, the available evidence is currently insufficient to determine the role of this variant in disease. Therefore, it has been classified as a Variant of Uncertain Significance. Algorithms developed to predict the effect of missense changes on protein structure and function are either unavailable or do not agree on the potential impact of this missense change (SIFT: "Deleterious"; PolyPhen-2: "Probably Damaging"; Align-GVGD: "Class C0"). This variant is not present in population databases (gnomAD no frequency). This sequence change replaces isoleucine, which is neutral and non-polar, with methionine, which is neutral and non-polar, at codon 627 of the LRIT3 protein (p.Ile627Met).

NM_198506.5(LRIT3):c.1881C>G (p.Ile627Met)

Gene: LRIT3 (leucine rich repeat, Ig-like and transmembrane domains 3; plus strand). Cytogenetic location: 4q25.
Variant type: single nucleotide variant.
Coding change: c.1881C>G on transcript NM_198506.5 (MANE Select); coding-DNA position 1881, C replaced by G.
Protein change: p.Ile627Met; replaces isoleucine 627 with methionine.
Molecular consequence: missense variant.
Genome position (GRCh38, 1-based): chr4:109,870,630, C>G. VCF-style: chr4-109870630-C-G. GRCh37 (hg19) VCF-style: chr4-110791786-C-G.
Other names: short protein forms I627M.
Identifiers: ClinVar variation 2131060 (VCV002131060.4), dbSNP rs2069588926, ClinGen allele CA357873051.